The following is an entry in ClinVar:

NM_000384.3(APOB):c.11744C>T (p.Ser3915Phe)

Gene: APOB (apolipoprotein B; minus strand). Cytogenetic location: 2p24.1.
Variant type: single nucleotide variant.
Coding change: c.11744C>T on transcript NM_000384.3 (MANE Select); coding-DNA position 11744, C replaced by T.
Protein change: p.Ser3915Phe; replaces serine 3915 with phenylalanine.
Molecular consequence: missense variant.
Genome position (GRCh38, 1-based): chr2:21,005,124, G>A on the plus strand (C>T on the coding strand, the complement: APOB is on the minus strand). VCF-style: chr2-21005124-G-A. GRCh37 (hg19) VCF-style: chr2-21227996-G-A.
Other names: short protein forms S3915F.
Identifiers: ClinVar variation 918453 (VCV000918453.7), dbSNP rs201990496, ClinGen allele CA047281.

ClinVar aggregate classification (germline): Conflicting classifications of pathogenicity. Review status: criteria provided, conflicting classifications (1 of 4 stars). 3 submissions from 3 submitters: Uncertain significance (2); Benign (1). Last evaluated 2024-12-27.

Conditions:
Familial hypobetalipoproteinemia 1. Also called: Hypobetalipoproteinemia, normotriglyceridemic; Acanthocytosis with hypobetalipoproteinemia; APOB-Related Familial Hypobetalipoproteinemia. Identifiers: MedGen C4551990, MONDO:0014252, OMIM 615558.
Hypercholesterolemia, autosomal dominant, type B (FHCL2). Also called: Familial Hypercholesterolemia Type B; HYPERCHOLESTEROLEMIA, FAMILIAL, DUE TO LIGAND-DEFECTIVE APOLIPOPROTEIN B; Familial hypercholesterolemia 2; APOB-Related Familial Hypercholesterolemia, Autosomal Dominant; APOLIPOPROTEIN B-100, FAMILIAL DEFECTIVE; APOLIPOPROTEIN B-100, FAMILIAL LIGAND-DEFECTIVE. Identifiers: MedGen C1704417, MONDO:0007751, OMIM 144010.

Allele frequency attached by ClinVar (database versions not stated): TOPMed 0.00006; 1000 Genomes Project 30x 0.00016; 1000 Genomes Project 0.00020.
gnomAD v4.1: 19 of 1,613,984 alleles (0.0012%); highest among the groups gnomAD compares: African/African-American, 0.023%; no homozygotes.

Submissions (3):

GeneDx
Classification: Uncertain significance. Last evaluated: 2024-12-27. Review status: criteria provided, single submitter. Criteria: GeneDx Variant Classification Process June 2021. Collection method: clinical testing. Allele origin: germline. Affected: yes.
Comment: In silico analysis supports that this missense variant has a deleterious effect on protein structure/function; Has not been previously published as pathogenic or benign to our knowledge

Labcorp Genetics (formerly Invitae), Labcorp
Classification: Benign for Familial hypobetalipoproteinemia 1; Hypercholesterolemia, autosomal dominant, type B. Last evaluated: 2024-05-01. Review status: criteria provided, single submitter. Criteria: Invitae Variant Classification Sherloc (09022015). Collection method: clinical testing. Allele origin: germline.

Fulgent Genetics
Classification: Uncertain significance for Hypercholesterolemia, autosomal dominant, type B; Familial hypobetalipoproteinemia 1. Last evaluated: 2021-07-29. Review status: criteria provided, single submitter. Criteria: ACMG Guidelines, 2015. Collection method: clinical testing. Allele origin: unknown.